The following is an entry in ClinVar:

ClinVar aggregate classification (germline): Conflicting classifications of pathogenicity. Review status: criteria provided, conflicting classifications (1 of 4 stars). 4 submissions from 4 submitters: Likely pathogenic (1); Uncertain significance (3). Last evaluated 2026-03-02.

Conditions:
Hereditary cancer-predisposing syndrome. Also called: Neoplastic Syndromes, Hereditary; Tumor predisposition; Hereditary Cancer Syndrome; Hereditary neoplastic syndrome. Identifiers: Orphanet 140162, MedGen C0027672, MeSH D009386, MONDO:0015356.
Hereditary breast ovarian cancer syndrome. Also called: Hereditary breast and ovarian cancer syndrome; Breast and ovarian cancer; Hereditary breast and ovarian cancer; Hereditary breast and/or ovarian cancer syndrome; BRCA1- and BRCA2-Associated Hereditary Breast and Ovarian Cancer; Hereditary breast and ovarian cancer syndrome (HBOC). Identifiers: Orphanet 145, MedGen C0677776, MeSH D061325, MONDO:0003582. Disease mechanism: loss of function.
Breast-ovarian cancer, familial, susceptibility to, 2 (BROVCA2). Also called: BRCA2 Hereditary Breast and Ovarian Cancer. Identifiers: Orphanet 145, MedGen C2675520, MONDO:0012933, OMIM 612555. Disease mechanism: loss of function.
Familial cancer of breast. Also called: BREAST CANCER, FAMILIAL; Hereditary breast cancer; hereditary breast carcinoma. Identifiers: Orphanet 227535, MedGen C0346153, MONDO:0016419, OMIM 114480. Disease mechanism: loss of function.

Submissions (4):

Ambry Genetics
Classification: Likely pathogenic for Hereditary cancer-predisposing syndrome. Last evaluated: 2026-03-02. Review status: criteria provided, single submitter. Criteria: Ambry Variant Classification Scheme 2023. Collection method: clinical testing. Allele origin: germline.
Comment: The p.L2987P variant (also known as c.8960T>C), located in coding exon 22 of the BRCA2 gene, results from a T to C substitution at nucleotide position 8960. The leucine at codon 2987 is replaced by proline, an amino acid with similar properties. Two saturation genome editing-based studies, including a haploid cell-survival assay and a humanized mouse embryonic stem cell line assay of drug response and survival, demonstrate that this nucleotide substitution is non-functional(Huang H et al. Nature. 2025 Feb;638(8050):528-537; Sahu S et al. Nature. 2025 Feb;638(8050):538-545). This amino acid position is highly conserved in available vertebrate species. In addition, this alteration is predicted to be deleterious by in silico analysis. This variant is considered to be rare based on population cohorts in the Genome Aggregation Database (gnomAD). Based on the majority of available evidence to date, this variant is likely to be pathogenic.

GeneDx
Classification: Uncertain significance. Last evaluated: 2023-11-08. Review status: criteria provided, single submitter. Criteria: GeneDx Variant Classification Process June 2021. Collection method: clinical testing. Allele origin: germline. Affected: yes.
Comment: Not observed at significant frequency in large population cohorts (gnomAD); In silico analysis supports that this missense variant does not alter protein structure/function; Has not been previously published as pathogenic or benign to our knowledge; Also known as 9188T>C; This variant is associated with the following publications: (PMID: 12228710)

Labcorp Genetics (formerly Invitae), Labcorp
Classification: Uncertain significance for Hereditary breast ovarian cancer syndrome. Last evaluated: 2022-10-05. Review status: criteria provided, single submitter. Criteria: Invitae Variant Classification Sherloc (09022015). Collection method: clinical testing. Allele origin: germline.
Comment: This variant has not been reported in the literature in individuals affected with BRCA2-related conditions. This variant is not present in population databases (gnomAD no frequency). This sequence change replaces leucine, which is neutral and non-polar, with proline, which is neutral and non-polar, at codon 2987 of the BRCA2 protein (p.Leu2987Pro). Advanced modeling of protein sequence and biophysical properties (such as structural, functional, and spatial information, amino acid conservation, physicochemical variation, residue mobility, and thermodynamic stability) performed at Invitae indicates that this missense variant is not expected to disrupt BRCA2 protein function. In summary, the available evidence is currently insufficient to determine the role of this variant in disease. Therefore, it has been classified as a Variant of Uncertain Significance.

Department of Pathology and Laboratory Medicine, Sinai Health System
Classification: Uncertain significance for Familial cancer of breast; Breast-ovarian cancer, familial, susceptibility to, 2. Last evaluated: 2022-02-15. Review status: criteria provided, single submitter. Criteria: ACMG Guidelines, 2015. Collection method: clinical testing. Allele origin: germline. Affected: yes.

Literature cited by the submitters: PubMed 39779848 (cited by Ambry Genetics); PubMed 39779857 (cited by Ambry Genetics).

NM_000059.4(BRCA2):c.8960T>C (p.Leu2987Pro)

Gene: BRCA2 (BRCA2 DNA repair associated; plus strand). Cytogenetic location: 13q13.1.
Variant type: single nucleotide variant.
Coding change: c.8960T>C on transcript NM_000059.4 (MANE Select); coding-DNA position 8960, T replaced by C.
Protein change: p.Leu2987Pro; replaces leucine 2987 with proline.
Molecular consequence: missense variant.
Genome position (GRCh38, 1-based): chr13:32,379,756, T>C. VCF-style: chr13-32379756-T-C. GRCh37 (hg19) VCF-style: chr13-32953893-T-C.
Other names: c.8864T>C, p.Leu2955Pro (NM_001406719.1); c.4028T>C, p.Leu1343Pro (NM_001406721.1); c.2543T>C, p.Leu848Pro (NM_001406722.1); short protein forms L848P, L2987P, L1343P, L2955P.
Identifiers: ClinVar variation 1995043 (VCV001995043.7), dbSNP rs2137621947, ClinGen allele CA387757368.